The following is an entry in ClinVar:

NM_001291303.3(FAT4):c.5380G>A (p.Gly1794Arg)

Gene: FAT4 (FAT atypical cadherin 4; plus strand). Cytogenetic location: 4q28.1.
Variant type: single nucleotide variant.
Coding change: c.5380G>A on transcript NM_001291303.3 (MANE Select); coding-DNA position 5380, G replaced by A.
Protein change: p.Gly1794Arg; replaces glycine 1794 with arginine.
Molecular consequence: missense variant.
Genome position (GRCh38, 1-based): chr4:125,406,952, G>A. VCF-style: chr4-125406952-G-A. GRCh37 (hg19) VCF-style: chr4-126328107-G-A.
Other names: c.5380G>A, p.Gly1794Arg (NM_001291285.3, NM_024582.6); short protein forms G1794R.
Identifiers: ClinVar variation 1392247 (VCV001392247.7), dbSNP rs200789529, ClinGen allele CA3072701.

ClinVar aggregate classification (germline): Uncertain significance. Review status: criteria provided, multiple submitters, no conflicts (2 of 4 stars). 2 submissions from 2 submitters: Uncertain significance (2). Last evaluated 2025-11-11.

Allele frequency attached by ClinVar (database versions not stated): gnomAD exomes 0.00002; ExAC 0.00004; ESP Exome Variant Server 0.00008.
gnomAD v4.1: 23 of 1,613,760 alleles (0.0014%); highest among the groups gnomAD compares: Admixed American, 0.005%; no homozygotes.

Submissions (2):

Labcorp Genetics (formerly Invitae), Labcorp
Classification: Uncertain significance. Last evaluated: 2025-11-11. Review status: criteria provided, single submitter. Criteria: Invitae Variant Classification Sherloc (09022015). Collection method: clinical testing. Allele origin: germline.
Comment: This sequence change replaces glycine, which is neutral and non-polar, with arginine, which is basic and polar, at codon 1794 of the FAT4 protein (p.Gly1794Arg). This variant is present in population databases (rs200789529, gnomAD 0.006%). This variant has not been reported in the literature in individuals affected with FAT4-related conditions. ClinVar contains an entry for this variant (Variation ID: 1392247). Invitae Evidence Modeling of protein sequence and biophysical properties (such as structural, functional, and spatial information, amino acid conservation, physicochemical variation, residue mobility, and thermodynamic stability) has been performed for this missense variant. However, the output from this modeling did not meet the statistical confidence thresholds required to predict the impact of this variant on FAT4 protein function. In summary, the available evidence is currently insufficient to determine the role of this variant in disease. Therefore, it has been classified as a Variant of Uncertain Significance.

GeneDx
Classification: Uncertain significance. Last evaluated: 2022-05-11. Review status: criteria provided, single submitter. Criteria: GeneDx Variant Classification Process June 2021. Collection method: clinical testing. Allele origin: germline. Affected: yes.
Comment: Not observed at significant frequency in large population cohorts (gnomAD); In silico analysis supports that this missense variant has a deleterious effect on protein structure/function; Has not been previously published as pathogenic or benign to our knowledge